The following is an entry in ClinVar:

NM_004999.4(MYO6):c.*2027T>C

Gene: MYO6 (myosin VI; plus strand). Cytogenetic location: 6q14.1.
Variant type: single nucleotide variant.
Coding change: c.*2027T>C on transcript NM_004999.4 (MANE Select); 2027 bases downstream of the stop codon, T replaced by C.
Molecular consequence: 3 prime UTR variant. On other transcripts: non-coding transcript variant (1).
Genome position (GRCh38, 1-based): chr6:75,917,039, T>C. VCF-style: chr6-75917039-T-C. GRCh37 (hg19) VCF-style: chr6-76626756-T-C.
Other names: c.*2027T>C (NM_001300899.2, NM_001368136.1, NM_001368137.1 and 3 more transcripts).
Identifiers: ClinVar variation 358027 (VCV000358027.8), dbSNP rs6914716, ClinGen allele CA10627625.
Genomic context (GRCh38, chr6:75,917,039, plus strand): 5'-TTTAAAATAGTTTCCTGAGTTAATTTTGGCCAGCAGGGCAACTGCCCTAATTCAGATAGA[T>C]TTACAGTAACCTACGTACAGTAGATGCACATACACACAGACACCCCTTTGCTGGAGAAAC-3'

ClinVar aggregate classification (germline): Benign. Review status: criteria provided, multiple submitters, no conflicts (2 of 4 stars). 3 submissions from 2 submitters: Benign (3). Last evaluated 2021-05-13.

Conditions:
Autosomal recessive nonsyndromic hearing loss 37. Identifiers: Orphanet 90636, MedGen C1843028, MONDO:0011912, OMIM 607821.
Autosomal dominant nonsyndromic hearing loss 22. Also called: Autosomal dominant nonsyndromic deafness 22; DFNA 22. Identifiers: Orphanet 228012, MedGen C2931767, MONDO:0011660, OMIM 606346.

Allele frequency attached by ClinVar (database versions not stated): 1000 Genomes Project 30x 0.31355; 1000 Genomes Project 0.31889; TOPMed 0.37937; gnomAD 0.39479 and 0.39546; gnomAD exomes 0.50000.
gnomAD v4.1: 60,071 of 152,090 alleles (39%); highest among the groups gnomAD compares: Middle Eastern, 54%; 12,793 homozygotes.

Submissions (3):

GeneDx
Classification: Benign. Last evaluated: 2021-05-13. Review status: criteria provided, single submitter. Criteria: GeneDx Variant Classification Process June 2021. Collection method: clinical testing. Allele origin: germline. Affected: yes.

Illumina Laboratory Services, Illumina
Classification: Benign for Autosomal dominant nonsyndromic hearing loss 22. Last evaluated: 2018-01-12. Review status: criteria provided, single submitter. Criteria: ICSL Variant Classification Criteria 13 December 2019. Collection method: clinical testing. Allele origin: germline.
Comment: This variant was observed in the ICSL laboratory as part of a predisposition screen in an ostensibly healthy population. It had not been previously curated by ICSL or reported in the Human Gene Mutation Database (HGMD: prior to June 1st, 2018), and was therefore a candidate for classification through an automated scoring system. Utilizing variant allele frequency, disease prevalence and penetrance estimates, and inheritance mode, an automated score was calculated to assess if this variant is too frequent to cause the disease. Based on the score and internal cut-off values, a variant classified as benign is not then subjected to further curation. The score for this variant resulted in a classification of benign for this disease.

Illumina Laboratory Services, Illumina
Classification: Benign for Autosomal recessive nonsyndromic hearing loss 37. Last evaluated: 2018-01-12. Review status: criteria provided, single submitter. Criteria: ICSL Variant Classification Criteria 13 December 2019. Collection method: clinical testing. Allele origin: germline.
Comment: the same text as in the submission from Illumina Laboratory Services, Illumina above.